The following is an entry in ClinVar:

ClinVar aggregate classification (germline): Benign/Likely benign. Review status: criteria provided, multiple submitters, no conflicts (2 of 4 stars). 5 submissions from 5 submitters: Benign (2); Likely benign (3). Last evaluated 2025-12-23.

Conditions:
Inborn genetic diseases. Identifiers: MedGen C0950123, MeSH D030342.

Allele frequency attached by ClinVar (database versions not stated): gnomAD exomes 0.00025; ExAC 0.00027; gnomAD 0.00082 and 0.00083; 1000 Genomes Project 0.00100; 1000 Genomes Project 30x 0.00109; TOPMed 0.00110; ESP Exome Variant Server 0.00123.
gnomAD v4.1: 274 of 1,614,040 alleles (0.017%); highest among the groups gnomAD compares: African/African-American, 0.24%; no homozygotes.

Submissions (5):

Labcorp Genetics (formerly Invitae), Labcorp
Classification: Benign. Last evaluated: 2025-12-23. Review status: criteria provided, single submitter. Criteria: Invitae Variant Classification Sherloc (09022015). Collection method: clinical testing. Allele origin: germline.

CeGaT Center for Human Genetics Tuebingen
Classification: Likely benign. Last evaluated: 2025-09-01. Review status: criteria provided, single submitter. Criteria: CeGaT Center For Human Genetics Tuebingen Variant Classification Criteria Version 2. Collection method: clinical testing. Allele origin: germline. Affected: yes. Observed: 2 variant alleles.
Comment: ARID1B: BP4, BP7

Blueprint Genetics
Classification: Likely benign. Last evaluated: 2022-02-25. Review status: criteria provided, single submitter. Criteria: ACMG Guidelines, 2015. Collection method: clinical testing. Allele origin: germline.

GeneDx
Classification: Benign. Last evaluated: 2020-06-12. Review status: criteria provided, single submitter. Criteria: GeneDx Variant Classification Process June 2021. Collection method: clinical testing. Allele origin: germline. Affected: yes.

Ambry Genetics
Classification: Likely benign for Inborn genetic diseases. Last evaluated: 2018-01-19. Review status: criteria provided, single submitter. Criteria: Ambry Variant Classification Scheme 2023. Collection method: clinical testing. Allele origin: germline.

NM_001374828.1(ARID1B):c.4731G>A (p.Ser1577=)

Gene: ARID1B (AT-rich interaction domain 1B; plus strand). Cytogenetic location: 6q25.3.
Variant type: single nucleotide variant.
Coding change: c.4731G>A on transcript NM_001374828.1 (MANE Select); coding-DNA position 4731, G replaced by A.
Protein change: p.Ser1577=; no amino-acid change (serine 1577 retained).
Molecular consequence: synonymous variant.
Genome position (GRCh38, 1-based): chr6:157,200,956, G>A. VCF-style: chr6-157200956-G-A. GRCh37 (hg19) VCF-style: chr6-157522090-G-A.
Other names: c.4362G>A (NM_020732.3); c.2232G>A, p.Ser744= (NM_001363725.2); c.4611G>A, p.Ser1537= (NM_001371656.1, NM_001374820.1); c.4572G>A, p.Ser1524= (NM_017519.3).
Identifiers: ClinVar variation 1226363 (VCV001226363.21), dbSNP rs61745210, ClinGen allele CA4067696.